The following is an entry in ClinVar:

ClinVar aggregate classification (germline): Uncertain significance (1 of 4 stars; one submission).

Conditions:
Mucopolysaccharidosis, MPS-III-D (MPS3D). Also called: N-ACETYLGLUCOSAMINE-6-SULFATASE DEFICIENCY; SANFILIPPO SYNDROME D; MPS III D; Mucopoly-saccharidosis type 3D; N-acetylglucosamine-6-sulfate sulfatase deficiency; MPS 3D. Identifiers: Orphanet 581, Orphanet 79272, MedGen C0086650, MONDO:0009658, OMIM 252940.

Allele frequency attached by ClinVar (database versions not stated): gnomAD 0.00002; gnomAD exomes 0.00004; TOPMed 0.00002.

Submission:

Labcorp Genetics (formerly Invitae), Labcorp
Classification: Uncertain significance for Mucopolysaccharidosis, MPS-III-D. Last evaluated: 2022-09-12. Review status: criteria provided, single submitter. Criteria: Invitae Variant Classification Sherloc (09022015). Collection method: clinical testing. Allele origin: germline.
Comment: This sequence change replaces valine, which is neutral and non-polar, with methionine, which is neutral and non-polar, at codon 50 of the GNS protein (p.Val50Met). This variant is present in population databases (rs776163695, gnomAD 0.02%). This variant has not been reported in the literature in individuals affected with GNS-related conditions. ClinVar contains an entry for this variant (Variation ID: 1465220). Advanced modeling of protein sequence and biophysical properties (such as structural, functional, and spatial information, amino acid conservation, physicochemical variation, residue mobility, and thermodynamic stability) performed at Invitae indicates that this missense variant is expected to disrupt GNS protein function. In summary, the available evidence is currently insufficient to determine the role of this variant in disease. Therefore, it has been classified as a Variant of Uncertain Significance.

NM_002076.4(GNS):c.148G>A (p.Val50Met)

Gene: GNS (glucosamine (N-acetyl)-6-sulfatase; minus strand). Cytogenetic location: 12q14.3.
Variant type: single nucleotide variant.
Coding change: c.148G>A on transcript NM_002076.4 (MANE Select); coding-DNA position 148, G replaced by A.
Protein change: p.Val50Met; replaces valine 50 with methionine.
Molecular consequence: missense variant.
Genome position (GRCh38, 1-based): chr12:64,759,129, C>T on the plus strand (G>A on the coding strand, the complement: GNS is on the minus strand). VCF-style: chr12-64759129-C-T. GRCh37 (hg19) VCF-style: chr12-65152909-C-T.
Other names: short protein forms V50M.
Identifiers: ClinVar variation 1465220 (VCV001465220.3), dbSNP rs776163695, ClinGen allele CA6670041.
Genomic context (GRCh38, chr12:64,759,129, plus strand): 5'-GAAACAGAAGAGTTACCATGCCGCCGAGCACTTCGTCCTGGTCGTCCGTGAGGAGCAGCA[C>T]CACGTTGGGCCTCCGGGTTCCCGCAGCCACCCCGAAGACCCCCAGGCAGCCGCCCAGCAC-3'
Protein context (NP_002067.1, residues 40-60): VAAGTRRPNV[Val50Met]LLLTDDQDEV